The following is an entry in ClinVar:

ClinVar aggregate classification (germline): Benign. Review status: reviewed by expert panel (3 of 4 stars). 2 submissions from 2 submitters: Benign (1). 1 of the submissions does not count toward it. Last evaluated 2024-08-28.

Conditions:
Hereditary thrombocytopenia and hematologic cancer predisposition syndrome. Identifiers: Orphanet 71290, MedGen CN281654, MONDO:0011071.

Allele frequency attached by ClinVar (database versions not stated): 1000 Genomes Project 0.17732; 1000 Genomes Project 30x 0.18332; TOPMed 0.22356; gnomAD 0.22722 and 0.23437.
gnomAD v4.1: 34,491 of 152,172 alleles (23%); highest among the groups gnomAD compares: African/African-American, 31%; 4,278 homozygotes.

Submissions (2):

ClinGen Myeloid Malignancy Variant Curation Expert Panel
Classification: Benign for Hereditary thrombocytopenia and hematologic cancer predisposition syndrome. Last evaluated: 2024-08-28. Review status: reviewed by expert panel. Criteria: ClinGen MyeloMalig ACMG Specifications v2. Collection method: curation. Allele origin: germline. Inheritance: Autosomal dominant inheritance.
Comment: NM_001754.5(RUNX1):c.508+232A>G is an intronic variant with a MAF of 0.31559 (31.559%, 2745/8698, 11,443 alleles) in the African subpopulation of the gnomAD v.2 cohort is ≥ 0.0015 (0.15%) (BA1). Evolutionary conservation algorithms predict the site as not being conserved (PhyloP score -0.537268 < 2.0 or the variant is the reference nucleotide in one primate and/or three mammal species) and splicing is not predicted to be impacted (BP4, BP7). In summary, this variant meets criteria to be classified as benign. ACMG/AMP criteria applied, as specified by the Myeloid Malignancy Variant Curation Expert Panel for RUNX1: BA1, BP4, BP7.

GeneDx
Classification: Benign. Last evaluated: 2018-06-23. Review status: criteria provided, single submitter. Criteria: GeneDx Variant Classification Process June 2021. Collection method: clinical testing. Allele origin: germline. Affected: yes. Not counted in ClinVar's aggregate classification.

NM_001754.5(RUNX1):c.508+232A>G

Genes: RUNX1 (RUNX family transcription factor 1; minus strand), RUNX1-AS1 (RUNX1 antisense RNA 1; plus strand). Cytogenetic location: 21q22.12.
Variant type: single nucleotide variant.
Coding change: c.508+232A>G on transcript NM_001754.5 (MANE Select); 232 bases into the intron after coding-DNA position 508, A replaced by G.
Molecular consequence: intron variant.
Genome position (GRCh38, 1-based): chr21:34,880,325, T>C on the plus strand (A>G on the coding strand, the complement: RUNX1 is on the minus strand). VCF-style: chr21-34880325-T-C. GRCh37 (hg19) VCF-style: chr21-36252622-T-C.
Other names: c.427+232A>G (NM_001001890.3, NM_001122607.2).
Identifiers: ClinVar variation 1292682 (VCV001292682.3), dbSNP rs2298352, ClinGen allele CA14879301.